The following is an entry in ClinVar:

ClinVar aggregate classification (germline): Likely pathogenic (1 of 4 stars; one submission).

Conditions:
Hereditary spastic paraplegia 15 (SPG15). Also called: SPASTIC PARAPLEGIA 15, AUTOSOMAL RECESSIVE; KJELLIN SYNDROME; SPASTIC PARAPLEGIA AND RETINAL DEGENERATION. Identifiers: Orphanet 100996, MedGen C1849128, MONDO:0010044, OMIM 270700.

Submission:

Myriad Genetics, Inc.
Classification: Likely pathogenic for Hereditary spastic paraplegia 15. Last evaluated: 2022-02-02. Review status: criteria provided, single submitter. Criteria: Myriad Women's Health Autosomal Recessive and X-Linked Classification Criteria (2021). Collection method: clinical testing. Allele origin: unknown.
Comment: NM_015346.3(ZFYVE26):c.4339A>T(K1447*) is expected to be pathogenic in the context of spastic paraplegia type 15. This variant is predicted to lead to an abnormal or absent protein product due to the creation of a premature termination codon in ZFYVE26, a gene where loss-of-function variants are known to be pathogenic. Please note: this variant was assessed in the context of healthy population screening.

NM_015346.4(ZFYVE26):c.4339A>T (p.Lys1447Ter)

Gene: ZFYVE26 (zinc finger FYVE-type containing 26; minus strand). Cytogenetic location: 14q24.1.
Variant type: single nucleotide variant.
Coding change: c.4339A>T on transcript NM_015346.4 (MANE Select); coding-DNA position 4339, A replaced by T.
Protein change: p.Lys1447Ter; replaces lysine 1447 with a stop codon.
Molecular consequence: nonsense.
Genome position (GRCh38, 1-based): chr14:67,782,813, T>A on the plus strand (A>T on the coding strand, the complement: ZFYVE26 is on the minus strand). VCF-style: chr14-67782813-T-A. GRCh37 (hg19) VCF-style: chr14-68249530-T-A.
Other names: short protein forms K1447*.
Identifiers: ClinVar variation 1724227 (VCV001724227.2), dbSNP rs2502804775, ClinGen allele CA390170041.